The following is an entry in ClinVar:

NM_000260.4(MYO7A):c.582del (p.Ile195fs)

Gene: MYO7A (myosin VIIA; plus strand). Cytogenetic location: 11q13.5.
Variant type: Deletion.
Coding change: c.582del on transcript NM_000260.4 (MANE Select); coding-DNA position 582, one base deleted (C; older notation c.582delC).
Protein change: p.Ile195fs; shifts the reading frame from isoleucine 195.
Molecular consequence: frameshift variant.
Genome position (GRCh38, 1-based): chr11:77,156,771, C deleted; the last of 5 consecutive C bases (chr11:77,156,767-77,156,771); deleting any one gives the same sequence. VCF-style (leftmost placement, unchanged base first): chr11-77156766-AC-A. GRCh37 (hg19) VCF-style: chr11-76867812-AC-A.
Other names: c.582del, p.Ile195fs (NM_001127180.2); c.549del, p.Ile184fs (NM_001369365.1); short protein forms I184fs, I195fs.
Identifiers: ClinVar variation 43301 (VCV000043301.8), dbSNP rs111033238, ClinGen allele CA278695.

ClinVar aggregate classification (germline): Pathogenic. Review status: criteria provided, multiple submitters, no conflicts (2 of 4 stars). 2 submissions from 2 submitters: Pathogenic (2). Last evaluated 2024-07-25.

Conditions:
Rare genetic deafness. Identifiers: Orphanet 96210, MedGen C5680250.

Submissions (2):

Labcorp Genetics (formerly Invitae), Labcorp
Classification: Pathogenic. Last evaluated: 2024-07-25. Review status: criteria provided, single submitter. Criteria: Invitae Variant Classification Sherloc (09022015). Collection method: clinical testing. Allele origin: germline.
Comment: This sequence change creates a premature translational stop signal (p.Ile195Phefs*68) in the MYO7A gene. It is expected to result in an absent or disrupted protein product. Loss-of-function variants in MYO7A are known to be pathogenic (PMID: 8900236, 25404053). This variant is not present in population databases (gnomAD no frequency). This variant has not been reported in the literature in individuals affected with MYO7A-related conditions. ClinVar contains an entry for this variant (Variation ID: 43301). For these reasons, this variant has been classified as Pathogenic.

Laboratory for Molecular Medicine, Mass General Brigham Personalized Medicine
Classification: Pathogenic for Rare genetic deafness. Last evaluated: 2012-01-16. Review status: criteria provided, single submitter. Criteria: LMM Criteria. Collection method: clinical testing. Allele origin: germline. Inheritance: Autosomal recessive inheritance. Observed: 2 variant alleles.

Literature cited by the submitters: PubMed 8900236 (cited by Labcorp Genetics (formerly Invitae), Labcorp); PubMed 25404053 (cited by Labcorp Genetics (formerly Invitae), Labcorp).